The following is an entry in ClinVar:

ClinVar aggregate classification (germline): Uncertain significance (1 of 4 stars; one submission).

Conditions:
Inborn genetic diseases. Identifiers: MedGen C0950123, MeSH D030342.

Submission:

Ambry Genetics
Classification: Uncertain significance for Inborn genetic diseases. Last evaluated: 2024-09-09. Review status: criteria provided, single submitter. Criteria: Ambry Variant Classification Scheme 2023. Collection method: clinical testing. Allele origin: germline.
Comment: The c.155G>T (p.G52V) alteration is located in exon 3 (coding exon 3) of the COL4A3 gene. This alteration results from a G to T substitution at nucleotide position 155, causing the glycine (G) at amino acid position 52 to be replaced by a valine (V). This variant was not reported in population-based cohorts in the Genome Aggregation Database (gnomAD). This amino acid position is highly conserved in available vertebrate species. The p.G52V amino acid is located within the triple-helical domain of the collagen type IV, alpha 3 chain, and affects one of the highly conserved glycine residues in the Gly-X-Y motif that make up this domain (Ramshaw, 1998). This alteration is predicted to be deleterious by in silico analysis. Based on insufficient or conflicting evidence, the clinical significance of this alteration remains unclear.

Literature cited by the submitters: PubMed 9724608.

NM_000091.5(COL4A3):c.155G>T (p.Gly52Val)

Genes: COL4A3 (collagen type IV alpha 3 chain; plus strand), MFF-DT (MFF divergent transcript; minus strand). Cytogenetic location: 2q36.3.
Variant type: single nucleotide variant.
Coding change: c.155G>T on transcript NM_000091.5 (MANE Select); coding-DNA position 155, G replaced by T.
Protein change: p.Gly52Val; replaces glycine 52 with valine.
Molecular consequence: missense variant.
Genome position (GRCh38, 1-based): chr2:227,240,153, G>T. VCF-style: chr2-227240153-G-T. GRCh37 (hg19) VCF-style: chr2-228104869-G-T.
Other names: short protein forms G52V.
Identifiers: ClinVar variation 3495498 (VCV003495498.1).